The following is an entry in ClinVar:

NM_015506.3(MMACHC):c.484G>T (p.Gly162Trp)

Gene: MMACHC (metabolism of cobalamin associated C; plus strand). Cytogenetic location: 1p34.1.
Variant type: single nucleotide variant.
Coding change: c.484G>T on transcript NM_015506.3 (MANE Select); coding-DNA position 484, G replaced by T.
Protein change: p.Gly162Trp; replaces glycine 162 with tryptophan.
Molecular consequence: missense variant.
Genome position (GRCh38, 1-based): chr1:45,508,850, G>T. VCF-style: chr1-45508850-G-T. GRCh37 (hg19) VCF-style: chr1-45974522-G-T.
Other names: c.484G>T (NM_015506.2); c.313G>T, p.Gly105Trp (NM_001330540.2); short protein forms G105W, G162W.
Identifiers: ClinVar variation 2627889 (VCV002627889.3), dbSNP rs1178984269, ClinGen allele CA340133174.

ClinVar aggregate classification (germline): Pathogenic/Likely pathogenic. Review status: criteria provided, multiple submitters, no conflicts (2 of 4 stars). 2 submissions from 2 submitters: Pathogenic (1); Likely pathogenic (1). Last evaluated 2025-08-18.

Conditions:
Cobalamin C disease. Also called: Methylmalonic aciduria and homocystinuria, Vitamin B12-responsive; Vitamin B12 metabolic defect with combined deficiency of methylmalonyl-CoA mutase and homocysteine:methyltetrahydrofolate methyltransferase; Methylmalonic aciduria with homocystinuria cblC type; Cobalamin-C methylmalonic acidemia and homocystinuria; Methylmalonic acidemia and homocystinuria cblC type; methylmalonic aciduria and homocystinuria type cblC. Identifiers: Orphanet 26, Orphanet 79282, MedGen C1848561, MONDO:0010184, OMIM 277400.

Submissions (2):

Natera, Inc.
Classification: Likely pathogenic for Methylmalonic aciduria and homocystinuria cblC type. Last evaluated: 2025-08-18. Review status: criteria provided, single submitter. Criteria: Natera Variant Classification Schema (03/2026). Collection method: clinical testing. Allele origin: germline.
Comment: The c.484G>T variant in MMACHC is a missense variant predicted to cause substitution of glycine to tryptophan at amino acid 162. This variant is rare in the general population with a frequency below the threshold expected for the associated phenotype(s). This variant has been observed in one or more individuals affected with the associated recessive disease, as either homozygous or compound heterozygous with a second variant (PMID: 29558000). Computational prediction algorithms indicate this variant is likely to affect gene or protein function. Given the available evidence, this variant is classified as Likely Pathogenic.

Department of Medical Genetics, Gazi University
Classification: Pathogenic for Cobalamin C disease. Last evaluated: 2023-11-07. Review status: criteria provided, single submitter. Criteria: ACMG Guidelines, 2015. Collection method: clinical testing. Allele origin: biparental. Inheritance: Autosomal recessive inheritance. Affected: yes. Observed: 1 homozygote.
Comment: A next-generation sequencing panel analysis was conducted with a focus on the etiology associated with methylmalonic aciduria, involving the genes ABCD4, HCFC1, LMBRD1, MMACHC, and MMADHC. In the analysis, the NM_015506.3:c.484G>T:p.(Gly162Trp) variant was identified in the homozygous state in the MMACHC gene. This variant, registered as rs1178984269 in the dbSNP database, lacked entries in the Gnomad and ClinVar databases. It was first reported in the literature in a homozygous state in a patient with multisystemic disease presenting with failure to thrive, developmental delay, hypotonia, visual impairment, hematologic manifestations, and pulmonary hypertension in 2014 (PMID: 24853097). Another study reported the same variant in a homozygous state in a patient with chronic thrombotic microangiopathy-induced renal damage and acute hemolytic lesions (PMID: 29068997). The affected p.Gly162 amino acid residue in the patient was located in a hotspot region where missense pathogenic variants were clustered. In silico tools (Alphamissense, Revel, and MetaRNN) predicted the c.484G>T:p.(Gly162Trp) variant as disease-causing. Based on all this information, this variant was assessed according to the recommendation of the ACMG 2015 variant classification guidelines (PMID: 25741868) and classified as pathogenic, consistent with the diagnosis of methylmalonic aciduria and homocystinuria, cblC type.

Literature cited by the submitters: PubMed 29558000 (cited by Natera, Inc.); PubMed 24853097 (cited by Department of Medical Genetics, Gazi University); PubMed 29068997 (cited by Department of Medical Genetics, Gazi University).